The following is an entry in ClinVar:

ClinVar aggregate classification (germline): Benign (1 of 4 stars; one submission).

Allele frequency attached by ClinVar (database versions not stated): 1000 Genomes Project 0.02416; gnomAD 0.02507 and 0.02684; 1000 Genomes Project 30x 0.02639; TOPMed 0.02730.
gnomAD v4.1: 3,767 of 152,142 alleles (2.5%); highest among the groups gnomAD compares: African/African-American, 8.6%; 161 homozygotes.

Submission:

GeneDx
Classification: Benign. Last evaluated: 2018-06-16. Review status: criteria provided, single submitter. Criteria: GeneDx Variant Classification (06012015). Collection method: clinical testing. Allele origin: germline. Affected: yes.
Comment: This variant is considered likely benign or benign based on one or more of the following criteria: it is a conservative change, it occurs at a poorly conserved position in the protein, it is predicted to be benign by multiple in silico algorithms, and/or has population frequency not consistent with disease.

NM_005045.4(RELN):c.4512-227C>T

Gene: RELN (reelin; minus strand). Cytogenetic location: 7q22.1.
Variant type: single nucleotide variant.
Coding change: c.4512-227C>T on transcript NM_005045.4 (MANE Select); 227 bases into the intron before coding-DNA position 4512, C replaced by T.
Molecular consequence: intron variant.
Genome position (GRCh38, 1-based): chr7:103,572,487, G>A on the plus strand (C>T on the coding strand, the complement: RELN is on the minus strand). VCF-style: chr7-103572487-G-A. GRCh37 (hg19) VCF-style: chr7-103212934-G-A.
Other names: c.4512-227C>T (NM_173054.3).
Identifiers: ClinVar variation 673103 (VCV000673103.1), dbSNP rs362812, ClinGen allele CA163918809.